The following is an entry in ClinVar:

ClinVar aggregate classification (germline): Conflicting classifications of pathogenicity. Review status: criteria provided, conflicting classifications (1 of 4 stars). 2 submissions from 2 submitters: Uncertain significance (1); Likely benign (1). Last evaluated 2026-02-13.

Conditions:
Hereditary cancer-predisposing syndrome. Also called: Hereditary Cancer Syndrome; Neoplastic Syndromes, Hereditary; Tumor predisposition; Hereditary neoplastic syndrome. Identifiers: Orphanet 140162, MedGen C0027672, MeSH D009386, MONDO:0015356.
EGFR-related lung cancer (EGFR). Identifiers: MedGen CN130014.

Allele frequency attached by ClinVar (database versions not stated): TOPMed 0.00001.
gnomAD v4.1: 3 of 1,614,258 alleles (0.00019%); highest among the groups gnomAD compares: African/African-American, 0.0027%; no homozygotes.

Submissions (2):

Ambry Genetics
Classification: Uncertain significance for Hereditary cancer-predisposing syndrome. Last evaluated: 2026-02-13. Review status: criteria provided, single submitter. Criteria: Ambry Variant Classification Scheme 2023. Collection method: clinical testing. Allele origin: germline.
Comment: The c.2062-5C>G intronic variant results from a C to G substitution 5 nucleotides upstream from coding exon 18 in the EGFR gene. This nucleotide position is not well conserved in available vertebrate species. In silico splice site analysis predicts that this alteration will not have any significant effect on splicing. Based on the available evidence, the clinical significance of this variant remains unclear.

Labcorp Genetics (formerly Invitae), Labcorp
Classification: Likely benign for EGFR-related lung cancer. Last evaluated: 2025-04-08. Review status: criteria provided, single submitter. Criteria: Invitae Variant Classification Sherloc (09022015). Collection method: clinical testing. Allele origin: germline.

NM_005228.5(EGFR):c.2062-5C>G

Gene: EGFR (epidermal growth factor receptor; plus strand). Cytogenetic location: 7p11.2.
Variant type: single nucleotide variant.
Coding change: c.2062-5C>G on transcript NM_005228.5 (MANE Select); 5 bases into the intron before coding-DNA position 2062, C replaced by G.
Molecular consequence: intron variant.
Genome position (GRCh38, 1-based): chr7:55,173,916, C>G. VCF-style: chr7-55173916-C-G. GRCh37 (hg19) VCF-style: chr7-55241609-C-G.
Other names: c.1927-5C>G (NM_001346899.2, NM_001346897.2); c.1261-5C>G (NM_001346941.2); c.2062-5C>G (NM_001346898.2, NM_005228.3); c.1903-5C>G (NM_001346900.2).
Identifiers: ClinVar variation 1094920 (VCV001094920.10), dbSNP rs1452602910, ClinGen allele CA574335270.
Genomic context (GRCh38, chr7:55,173,916, plus strand): 5'-GGCACTGCTTTCCAGCATGGTGAGGGCTGAGGTGACCCTTGTCTCTGTGTTCTTGTCCCC[C>G]CCAGCTTGTGGAGCCTCTTACACCCAGTGGAGAAGCTCCCAACCAAGCTCTCTTGAGGAT-3'